The following is an entry in ClinVar:

NM_019066.5(MAGEL2):c.579CCCTCCGGGGACACCGATGGCTCATCCTCC[1] (p.181HPPPPGTPMA[4])

Gene: MAGEL2 (MAGE family member L2; minus strand). Cytogenetic location: 15q11.2.
Variant type: Microsatellite.
Coding change: c.579CCCTCCGGGGACACCGATGGCTCATCCTCC[1] on transcript NM_019066.5 (MANE Select); one copy of the 30-base unit CCCTCCGGGGACACCGATGGCTCATCCTCC starting at c.579; the reference has two copies in a row; one copy, 30 bases deleted; also written c.609_638del.
Protein change: p.181HPPPPGTPMA[4].
Molecular consequence: inframe deletion.
Genome position (GRCh38, 1-based): chr15:23,647,105-23,647,134, GGAGGATGAGCCATCGGTGTCCCCGGAGGG deleted on the plus strand (CCCTCCGGGGACACCGATGGCTCATCCTCC on the coding strand, the reverse complement: MAGEL2 is on the minus strand); deleting any 30 consecutive bases within chr15:23,647,105-23,647,181 gives the same sequence; the position shown is the placement nearest the transcript's 3' end. VCF-style (leftmost placement, unchanged base first): chr15-23647104-TGGAGGATGAGCCATCGGTGTCCCCGGAGGG-T. GRCh37 (hg19) VCF-style: chr15-23892251-TGGAGGATGAGCCATCGGTGTCCCCGGAGGG-T.
Other names: c.609_638del30 (NM_019066.4); c.609_638del (NM_019066.4).
Identifiers: ClinVar variation 2044785 (VCV002044785.28), dbSNP rs758291032, ClinGen allele CA7430097.

ClinVar aggregate classification (germline): Conflicting classifications of pathogenicity. Review status: criteria provided, conflicting classifications (1 of 4 stars). 4 submissions from 4 submitters: Uncertain significance (1); Likely benign (3). Last evaluated 2026-07-01.

Conditions:
Inborn genetic diseases. Identifiers: MedGen C0950123, MeSH D030342.
Schaaf-Yang syndrome (SHFYNG). Also called: MAGEL2-related Prader-Willi-like syndrome; Arthrogryposis, distal, with hypopituitarism, intellectual disability, and facial anomalies. Identifiers: Orphanet 398069, MedGen C5575066, MONDO:0014243, OMIM 615547.

Submissions (4):

CeGaT Center for Human Genetics Tuebingen
Classification: Likely benign. Last evaluated: 2026-07-01. Review status: criteria provided, single submitter. Criteria: CeGaT Center For Human Genetics Tuebingen Variant Classification Criteria Version 2. Collection method: clinical testing. Allele origin: germline. Affected: yes. Observed: 3 variant alleles.
Comment: MAGEL2: PM4, BS1

Labcorp Genetics (formerly Invitae), Labcorp
Classification: Uncertain significance. Last evaluated: 2025-11-15. Review status: criteria provided, single submitter. Criteria: Invitae Variant Classification Sherloc (09022015). Collection method: clinical testing. Allele origin: germline.
Comment: This variant, c.609_638del, results in the deletion of 10 amino acid(s) of the MAGEL2 protein (p.His221_Ala230del), but otherwise preserves the integrity of the reading frame. This variant is present in population databases (rs758291032, gnomAD 0.08%), and has an allele count higher than expected for a pathogenic variant. This variant has not been reported in the literature in individuals affected with MAGEL2-related conditions. ClinVar contains an entry for this variant (Variation ID: 2044785). Experimental studies and prediction algorithms are not available or were not evaluated, and the functional significance of this variant is currently unknown. In summary, the available evidence is currently insufficient to determine the role of this variant in disease. Therefore, it has been classified as a Variant of Uncertain Significance.

Ambry Genetics
Classification: Likely benign for Inborn genetic diseases. Last evaluated: 2021-04-29. Review status: criteria provided, single submitter. Criteria: Ambry Variant Classification Scheme 2023. Collection method: clinical testing. Allele origin: germline.

Victorian Clinical Genetics Services, Murdoch Childrens Research Institute
Classification: Likely benign for Schaaf-Yang syndrome. Last evaluated: 2019-08-28. Review status: criteria provided, single submitter. Criteria: ACMG Guidelines, 2015. Collection method: clinical testing. Allele origin: germline.
Comment: A heterozygous in-frame deletion variant was identified, NM_019066.4(MAGEL2):c.609_638delCCCTCCGGGGACACCGATGGCTCATCCTCC in exon 1 of 1 of the MAGEL2. This variant is predicted to result in a deletion, NP_061939.3(MAGEL2):p.(His221_Ala230del). The variant is fully contained in a repetitive region that has low conservation (100 vertebrates, UCSC). The variant is present in the gnomAD population database at a frequency of 0.04% (59 heterozygotes). Based on information available at the time of curation, this variant has been classified as LIKELY BENIGN.